The following is an entry in ClinVar:

ClinVar aggregate classification (germline): Uncertain significance (1 of 4 stars; one submission).

gnomAD v4.1: 9 of 1,613,378 alleles (0.00056%); highest among the groups gnomAD compares: East Asian, 0.0067%; no homozygotes.

Submission:

CeGaT Center for Human Genetics Tuebingen
Classification: Uncertain significance. Last evaluated: 2025-11-01. Review status: criteria provided, single submitter. Criteria: CeGaT Center For Human Genetics Tuebingen Variant Classification Criteria Version 2. Collection method: clinical testing. Allele origin: germline. Affected: yes. Observed: 1 variant allele.
Comment: DSG4: PM2, BP4

NM_177986.5(DSG4):c.3115C>A (p.Gln1039Lys)

Genes: DSG1-AS1 (DSG1 antisense RNA 1; minus strand), DSG4 (desmoglein 4; plus strand). Cytogenetic location: 18q12.1.
Variant type: single nucleotide variant.
Coding change: c.3115C>A on transcript NM_177986.5 (MANE Select); coding-DNA position 3115, C replaced by A.
Protein change: p.Gln1039Lys; replaces glutamine 1039 with lysine.
Molecular consequence: missense variant.
Genome position (GRCh38, 1-based): chr18:31,413,587, C>A. VCF-style: chr18-31413587-C-A. GRCh37 (hg19) VCF-style: chr18-28993550-C-A.
Other names: c.3172C>A, p.Gln1058Lys (NM_001134453.3); short protein forms Q1039K, Q1058K.
Identifiers: ClinVar variation 4681786 (VCV004681786.5).